The following is an entry in ClinVar:

NM_014171.6(CRIPT):c.221A>G (p.Gln74Arg)

Gene: CRIPT (CXXC repeat containing interactor of PDZ3 domain; plus strand). Cytogenetic location: 2p21.
Variant type: single nucleotide variant.
Coding change: c.221A>G on transcript NM_014171.6 (MANE Select); coding-DNA position 221, A replaced by G.
Protein change: p.Gln74Arg; replaces glutamine 74 with arginine.
Molecular consequence: missense variant.
Genome position (GRCh38, 1-based): chr2:46,623,847, A>G. VCF-style: chr2-46623847-A-G. GRCh37 (hg19) VCF-style: chr2-46850986-A-G.
Other names: short protein forms Q74R.
Identifiers: ClinVar variation 2091399 (VCV002091399.6), dbSNP rs554039395, ClinGen allele CA1646346.

ClinVar aggregate classification (germline): Uncertain significance. Review status: criteria provided, multiple submitters, no conflicts (2 of 4 stars). 2 submissions from 2 submitters: Uncertain significance (2). Last evaluated 2024-07-30.

Conditions:
Inborn genetic diseases. Identifiers: MedGen C0950123, MeSH D030342.

Allele frequency attached by ClinVar (database versions not stated): TOPMed 0.00001.
gnomAD v4.1: 9 of 1,607,646 alleles (0.00056%); highest among the groups gnomAD compares: South Asian, 0.0022%; no homozygotes.

Submissions (2):

Ambry Genetics
Classification: Uncertain significance for Inborn genetic diseases. Last evaluated: 2024-07-30. Review status: criteria provided, single submitter. Criteria: Ambry Variant Classification Scheme 2023. Collection method: clinical testing. Allele origin: germline.

Labcorp Genetics (formerly Invitae), Labcorp
Classification: Uncertain significance. Last evaluated: 2022-02-02. Review status: criteria provided, single submitter. Criteria: Invitae Variant Classification Sherloc (09022015). Collection method: clinical testing. Allele origin: germline.
Comment: In summary, the available evidence is currently insufficient to determine the role of this variant in disease. Therefore, it has been classified as a Variant of Uncertain Significance. Algorithms developed to predict the effect of missense changes on protein structure and function are either unavailable or do not agree on the potential impact of this missense change (SIFT: "Tolerated"; PolyPhen-2: "Probably Damaging"; Align-GVGD: "Class C0"). This variant has not been reported in the literature in individuals affected with CRIPT-related conditions. This variant is present in population databases (rs554039395, gnomAD 0.007%). This sequence change replaces glutamine, which is neutral and polar, with arginine, which is basic and polar, at codon 74 of the CRIPT protein (p.Gln74Arg).